The following is an entry in ClinVar:

NM_001042492.3(NF1):c.6819+1G>A

Gene: NF1 (neurofibromin 1; plus strand). Cytogenetic location: 17q11.2.
Variant type: single nucleotide variant.
Coding change: c.6819+1G>A on transcript NM_001042492.3 (MANE Select); the canonical splice donor site of the intron after coding-DNA position 6819, G replaced by A.
Molecular consequence: splice donor variant.
Genome position (GRCh38, 1-based): chr17:31,338,140, G>A. VCF-style: chr17-31338140-G-A. GRCh37 (hg19) VCF-style: chr17-29665158-G-A.
Other names: c.6756+1G>A (NM_000267.4).
Identifiers: ClinVar variation 457804 (VCV000457804.23), dbSNP rs1555534964, ClinGen allele CA399014226.

ClinVar aggregate classification (germline): Pathogenic. Review status: criteria provided, multiple submitters, no conflicts (2 of 4 stars). 10 submissions from 9 submitters: Pathogenic (10). Last evaluated 2025-11-06.

Conditions:
Hereditary cancer-predisposing syndrome. Also called: Hereditary neoplastic syndrome; Neoplastic Syndromes, Hereditary; Tumor predisposition; Hereditary Cancer Syndrome. Identifiers: Orphanet 140162, MedGen C0027672, MeSH D009386, MONDO:0015356.
Cardiovascular phenotype. Identifiers: MedGen CN230736.
Bardet-Biedl syndrome 9 (BBS9). Identifiers: Orphanet 110, MedGen C1859567, MONDO:0014437, OMIM 615986.
Neurofibromatosis, type 1 (NF1). Also called: VON RECKLINGHAUSEN DISEASE; Neurofibromatosis, type I; Peripheral type neurofibromatosis; NEUROFIBROMATOSIS, TYPE I, SOMATIC. Identifiers: Orphanet 636, MedGen C0027831, MONDO:0018975, OMIM 162200. Disease mechanism: loss of function.
Neurofibromatosis-Noonan syndrome (NFNS). Also called: NEUROFIBROMATOSIS WITH NOONAN PHENOTYPE. Identifiers: Orphanet 638, MedGen C2931482, MONDO:0011035, OMIM 601321. Disease mechanism: loss of function.
Café-au-lait macules with pulmonary stenosis (WTSN). Also called: PULMONIC STENOSIS WITH CAFE-AU-LAIT SPOTS. Identifiers: MedGen C0553586, MONDO:0008672, OMIM 193520.
Neurofibromatosis, familial spinal (FSNF). Identifiers: Orphanet 636, MedGen C1834235, MONDO:0008078, OMIM 162210. Disease mechanism: loss of function.
Juvenile myelomonocytic leukemia (JMML). Also called: LEUKEMIA, JUVENILE MYELOMONOCYTIC, SOMATIC. Identifiers: Orphanet 86834, MedGen C0349639, MONDO:0011908, OMIM 607785, HP:0012209.

Submissions (10):

3billion
Classification: Pathogenic for Neurofibromatosis, type 1. Last evaluated: 2025-11-06. Review status: criteria provided, single submitter. Criteria: ACMG Guidelines, 2015. Collection method: clinical testing. Allele origin: germline. Affected: yes.
Comment: The variant is not observed in the gnomAD v4.1.0 dataset. Predicted Consequence/Location: Canonical splice site: predicted to alter splicing and result in a loss or disruption of normal protein function. Multiple pathogenic loss-of-function variants are reported downstream of the variant. In silico tools predict the variant to alter splicing and produce an abnormal transcript [SpliceAI: 0.87 (spliceogenicity >=0.2, non-spliceogenicity <0.1)]. The variant has been reported at least twice as pathogenic with clinical assertions and evidence for the classification (ClinVar ID: VCV000457804 /PMID: 10712197 /3billion dataset). Therefore, this variant is classified as Pathogenic according to the recommendation of ACMG/AMP guideline.

Labcorp Genetics (formerly Invitae), Labcorp
Classification: Pathogenic for Neurofibromatosis, type 1. Last evaluated: 2025-09-16. Review status: criteria provided, single submitter. Criteria: Invitae Variant Classification Sherloc (09022015). Collection method: clinical testing. Allele origin: germline.
Comment: This sequence change affects a donor splice site in intron 44 of the NF1 gene. RNA analysis indicates that disruption of this splice site induces altered splicing and may result in an absent or altered protein product. This variant is not present in population databases (gnomAD no frequency). Disruption of this splice site has been observed in individual(s) with neurofibromatosis type 1 (PMID: 10712197, 31766501). Invitae Evidence Modeling of clinical and family history, age, sex, and reported ancestry of multiple individuals with this NF1 variant has been performed. This variant is expected to be pathogenic with a positive predictive value of at least 99%. This is a validated machine learning model that incorporates the clinical features of 1,785,918 individuals referred to our laboratory for NF1 testing. ClinVar contains an entry for this variant (Variation ID: 457804). Studies have shown that disruption of this splice site results in skipping of exon 44, and produces a non-functional protein and/or introduces a premature termination codon (internal data). For these reasons, this variant has been classified as Pathogenic.

Genomic Medicine Center of Excellence, King Faisal Specialist Hospital and Research Centre
Classification: Pathogenic for Neurofibromatosis, type 1. Last evaluated: 2025-09-10. Review status: criteria provided, single submitter. Criteria: ACMG Guidelines, 2015. Collection method: clinical testing. Allele origin: germline.

Catlab - Consorci Sanitari de Terrassa
Classification: Pathogenic for Hereditary cancer-predisposing syndrome. Last evaluated: 2025-03-13. Review status: criteria provided, single submitter. Criteria: ACMG Guidelines, 2015. Collection method: clinical testing. Allele origin: germline.
Comment: Based on currently available information, this variant should be considered as Pathogenic according to ACMG Richards 2015 guidelines. PVS1, PM2_supp, PS4, PP4.

Genomic Medicine Center of Excellence, King Faisal Specialist Hospital and Research Centre
Classification: Pathogenic for Bardet-Biedl syndrome 9. Last evaluated: 2024-12-17. Review status: criteria provided, single submitter. Criteria: ACMG Guidelines, 2015. Collection method: clinical testing. Allele origin: germline.

GeneDx
Classification: Pathogenic. Last evaluated: 2024-05-07. Review status: criteria provided, single submitter. Criteria: GeneDx Variant Classification Process June 2021. Collection method: clinical testing. Allele origin: germline. Affected: yes.
Comment: Canonical splice site variant for which published functional studies demonstrate exon skipping, predicted to result in protein truncation or nonsense-mediated decay, in a gene for which loss of function is a known mechanism of disease (PMID: 10712197); Not observed at significant frequency in large population cohorts (gnomAD); This variant is associated with the following publications: (PMID: 25525159, 10712197, 31766501)

Ambry Genetics
Classification: Pathogenic for Cardiovascular phenotype; Hereditary cancer-predisposing syndrome. Last evaluated: 2023-11-20. Review status: criteria provided, single submitter. Criteria: Ambry Variant Classification Scheme 2023. Collection method: clinical testing. Allele origin: germline.
Comment: The c.6756+1G>A intronic pathogenic mutation results from a G to A substitution one nucleotide after coding exon 44 of the NF1 gene. This mutation has been detected in multiple individuals with a clinical diagnosis of neurofibromatosis type I (Fahsold R et al. Am J Hum Genet, 2000 Mar;66:790-818; Ambry internal data). This nucleotide position is highly conserved in available vertebrate species. In silico splice site analysis predicts that this alteration will weaken the native splice donor site. RNA studies have demonstrated that this alteration results in abnormal splicing in the set of samples tested (Ambry internal data). This variant is considered to be rare based on population cohorts in the Genome Aggregation Database (gnomAD). Based on the supporting evidence, this alteration is interpreted as a disease-causing mutation.

Genome-Nilou Lab
Classification: Pathogenic for Neurofibromatosis, type 1. Last evaluated: 2022-03-15. Review status: criteria provided, single submitter. Criteria: ACMG Guidelines, 2015. Collection method: clinical testing. Allele origin: germline. Affected: no.

Centre for Mendelian Genomics, University Medical Centre Ljubljana
Classification: Pathogenic for Neurofibromatosis, type 1. Last evaluated: 2016-01-01. Review status: criteria provided, single submitter. Criteria: ACMG Guidelines, 2015. Collection method: clinical testing. Allele origin: unknown. Affected: yes.
Comment: This variant was classified as: Pathogenic. The following ACMG criteria were applied in classifying this variant: PVS1,PS1,PM2,PP3,PP4.

Juno Genomics, Hangzhou Juno Genomics, Inc
Classification: Pathogenic for Café-au-lait macules with pulmonary stenosis; Neurofibromatosis, type 1; Juvenile myelomonocytic leukemia; Neurofibromatosis, familial spinal; Neurofibromatosis-Noonan syndrome. Review status: criteria provided, single submitter. Criteria: ACMG Guidelines, 2015. Collection method: clinical testing. Allele origin: germline. Affected: yes.
Comment: Absent from controls (or at extremely low frequency if recessive) in Genome Aggregation Database.;Null variant in a gene where loss of function (LOF) is a known mechanism of disease.;The prevalence of the variant in affected individuals is significantly increased compared to the prevalence in controls.;Assumed de novo, but without confirmation of paternity and maternity.;Patient's phenotype or family history is highly specific for a disease with a single genetic etiology.

Literature cited by the submitters: PubMed 10712197 (cited by 3billion and Labcorp Genetics (formerly Invitae), Labcorp); PubMed 31766501 (cited by Labcorp Genetics (formerly Invitae), Labcorp).